The following is an entry in ClinVar:

NM_004655.4(AXIN2):c.282G>C (p.Leu94=)

Gene: AXIN2 (axin 2; minus strand). Cytogenetic location: 17q24.1.
Variant type: single nucleotide variant.
Coding change: c.282G>C on transcript NM_004655.4 (MANE Select); coding-DNA position 282, G replaced by C.
Protein change: p.Leu94=; no amino-acid change (leucine 94 retained).
Molecular consequence: synonymous variant.
Genome position (GRCh38, 1-based): chr17:65,558,339, C>G on the plus strand (G>C on the coding strand, the complement: AXIN2 is on the minus strand). VCF-style: chr17-65558339-C-G. GRCh37 (hg19) VCF-style: chr17-63554457-C-G.
Other names: c.282G>C, p.Leu94= (NM_001363813.1); c.282G>C (NM_004655.3).
Identifiers: ClinVar variation 1579701 (VCV001579701.11), dbSNP rs1169205374, ClinGen allele CA501691956.

ClinVar aggregate classification (germline): Benign/Likely benign. Review status: criteria provided, multiple submitters, no conflicts (2 of 4 stars). 3 submissions from 3 submitters: Benign (1); Likely benign (2). Last evaluated 2025-06-24.

Conditions:
Hereditary cancer-predisposing syndrome. Also called: Tumor predisposition; Neoplastic Syndromes, Hereditary; Hereditary Cancer Syndrome; Hereditary neoplastic syndrome. Identifiers: Orphanet 140162, MedGen C0027672, MeSH D009386, MONDO:0015356.
Oligodontia-cancer predisposition syndrome. Also called: TOOTH AGENESIS-COLORECTAL CANCER SYNDROME. Identifiers: Orphanet 300576, MedGen C1837750, MONDO:0012075, OMIM 608615. Disease mechanism: loss of function.

Allele frequency attached by ClinVar (database versions not stated): gnomAD exomes below 0.00001; gnomAD 0.00001.

Submissions (3):

Labcorp Genetics (formerly Invitae), Labcorp
Classification: Likely benign for Oligodontia-cancer predisposition syndrome. Last evaluated: 2025-06-24. Review status: criteria provided, single submitter. Criteria: Invitae Variant Classification Sherloc (09022015). Collection method: clinical testing. Allele origin: germline.

Myriad Genetics, Inc.
Classification: Benign for Oligodontia-cancer predisposition syndrome. Last evaluated: 2024-06-26. Review status: criteria provided, single submitter. Criteria: Myriad Autosomal Dominant, Autosomal Recessive and X-Linked Classification Criteria (2023). Collection method: clinical testing. Allele origin: unknown.
Comment: This variant is considered benign. This variant is a silent/synonymous amino acid change and it is not expected to impact splicing.

Ambry Genetics
Classification: Likely benign for Hereditary cancer-predisposing syndrome. Last evaluated: 2023-05-06. Review status: criteria provided, single submitter. Criteria: Ambry Variant Classification Scheme 2023. Collection method: clinical testing. Allele origin: germline.